The following is an entry in ClinVar:

Conditions:
Breast-ovarian cancer, familial, susceptibility to, 1 (BROVCA1). Also called: BRCA1 Hereditary Breast and Ovarian Cancer; OVARIAN CANCER, SUSCEPTIBILITY TO. Identifiers: Orphanet 145, MedGen C2676676, MONDO:0011450, OMIM 604370. Disease mechanism: loss of function.

Submission:

Brotman Baty Institute, University of Washington
No classification provided (evidence only). Condition: Breast-ovarian cancer, familial 1. Review status: no classification provided. Collection method: in vitro. Allele origin: not applicable. Functional consequence: functionally_normal.
ClinVar note: "not provided" was previously submitted as the classification for the variant. However, the classification appeared to be based only on an observation of functional data so it was converted to no classification on 2025-07-30.

NM_007294.4(BRCA1):c.4954A>C (p.Met1652Leu)

Gene: BRCA1 (BRCA1 DNA repair associated; minus strand). Cytogenetic location: 17q21.31.
Variant type: single nucleotide variant.
Coding change: c.4954A>C on transcript NM_007294.4 (MANE Select); coding-DNA position 4954, A replaced by C.
Protein change: p.Met1652Leu; replaces methionine 1652 with leucine.
Molecular consequence: missense variant. On other transcripts: non-coding transcript variant (1).
Genome position (GRCh38, 1-based): chr17:43,070,960, T>G on the plus strand (A>C on the coding strand, the complement: BRCA1 is on the minus strand). VCF-style: chr17-43070960-T-G. GRCh37 (hg19) VCF-style: chr17-41222977-T-G.
Other names: c.4825A>C, p.Met1609Leu (NM_001407687.1, NM_001407688.1, NM_001407689.1 and 6 more transcripts); c.4822A>C, p.Met1608Leu (NM_001407690.1, NM_001407691.1); c.4813A>C, p.Met1605Leu (NM_001407692.1, NM_001407694.1, NM_001407695.1 and 13 more transcripts); c.4810A>C, p.Met1604Leu (NM_001407732.1, NM_001407733.1, NM_001407734.1 and 21 more transcripts); c.4807A>C, p.Met1603Leu (NM_001407838.1, NM_001407839.1, NM_001407841.1 and 12 more transcripts); c.4951A>C, p.Met1651Leu (NM_001407859.1, NM_001407860.1, NM_001407610.1 and 17 more transcripts); c.4948A>C, p.Met1650Leu (NM_001407861.1, NM_001407627.1, NM_001407628.1 and 14 more transcripts); c.4753A>C, p.Met1585Leu (NM_001407862.1); and 70 more; short protein forms M1605L, M1673L, M1652L, M548L, M1625L, M1647L, M1672L, M422L.
Identifiers: ClinVar variation 868448 (VCV000868448.3), dbSNP rs1348949389, ClinGen allele CA10591616.